The following is an entry in ClinVar:

ClinVar aggregate classification (germline): Uncertain significance (1 of 4 stars; one submission).

Submission:

CeGaT Center for Human Genetics Tuebingen
Classification: Uncertain significance. Last evaluated: 2024-01-01. Review status: criteria provided, single submitter. Criteria: CeGaT Center For Human Genetics Tuebingen Variant Classification Criteria Version 2. Collection method: clinical testing. Allele origin: germline. Affected: yes. Observed: 1 variant allele.
Comment: PIEZO1: PM2

NM_001142864.4(PIEZO1):c.5206T>C (p.Phe1736Leu)

Gene: PIEZO1 (piezo type mechanosensitive ion channel component 1 (Er blood group); minus strand). Cytogenetic location: 16q24.3.
Variant type: single nucleotide variant.
Coding change: c.5206T>C on transcript NM_001142864.4 (MANE Select); coding-DNA position 5206, T replaced by C.
Protein change: p.Phe1736Leu; replaces phenylalanine 1736 with leucine.
Molecular consequence: missense variant.
Genome position (GRCh38, 1-based): chr16:88,721,816, A>G on the plus strand (T>C on the coding strand, the complement: PIEZO1 is on the minus strand). VCF-style: chr16-88721816-A-G. GRCh37 (hg19) VCF-style: chr16-88788224-A-G.
Other names: c.3748T>C, p.Phe1250Leu (NM_014745.1); short protein forms F1250L, F1736L.
Identifiers: ClinVar variation 3027023 (VCV003027023.22), dbSNP rs2507851908, ClinGen allele CA397093044.